The following is an entry in ClinVar:

NM_004628.5(XPC):c.2605A>G (p.Ser869Gly)

Gene: XPC (XPC complex subunit, DNA damage recognition and repair factor; minus strand). Cytogenetic location: 3p25.1.
Variant type: single nucleotide variant.
Coding change: c.2605A>G on transcript NM_004628.5 (MANE Select); coding-DNA position 2605, A replaced by G.
Protein change: p.Ser869Gly; replaces serine 869 with glycine.
Molecular consequence: missense variant. On other transcripts: non-coding transcript variant (2).
Genome position (GRCh38, 1-based): chr3:14,146,159, T>C on the plus strand (A>G on the coding strand, the complement: XPC is on the minus strand). VCF-style: chr3-14146159-T-C. GRCh37 (hg19) VCF-style: chr3-14187659-T-C.
Other names: c.2026A>G, p.Ser676Gly (NM_001354726.2); c.2599A>G, p.Ser867Gly (NM_001354727.2); c.2587A>G, p.Ser863Gly (NM_001354729.2); c.2359A>G, p.Ser787Gly (NM_001354730.2); short protein forms S676G, S787G, S863G, S867G, S869G.
Identifiers: ClinVar variation 1692826 (VCV001692826.1), dbSNP rs1574946666, ClinGen allele CA351537207.

ClinVar aggregate classification (germline): Uncertain significance (1 of 4 stars; one submission).

Conditions:
Xeroderma pigmentosum (XP). Identifiers: Orphanet 910, MedGen C0043346, MONDO:0019600.

Submission:

Sema4
Classification: Uncertain significance for Xeroderma pigmentosum. Last evaluated: 2021-10-19. Review status: criteria provided, single submitter. Criteria: Sema4 Curation Guidelines. Collection method: curation. Allele origin: germline.
Comment: The XPC c.2605A>G (p.S869G) variant has not been reported in the literature to our knowledge. It was not observed in the large and broad cohorts of the Genome Aggregation Database (PMID: 32461654). The variant has not been reported in ClinVar. In silico tools suggest the impact of the variant on protein function is benign, though these predictions have not been confirmed by functional studies. The evidence is insufficient to meet ACMG/AMP criteria for classifying the variant as benign or pathogenic. Thus, the clinical significance of this variant is currently uncertain.